The following is an entry in ClinVar:

ClinVar aggregate classification (germline): Uncertain significance (1 of 4 stars; one submission).

gnomAD v4.1: 36 of 1,443,092 alleles (0.0025%); highest among the groups gnomAD compares: Non-Finnish European, 0.003%; no homozygotes.

Submission:

Labcorp Genetics (formerly Invitae), Labcorp
Classification: Uncertain significance. Last evaluated: 2022-01-03. Review status: criteria provided, single submitter. Criteria: Invitae Variant Classification Sherloc (09022015). Collection method: clinical testing. Allele origin: germline.
Comment: In summary, the available evidence is currently insufficient to determine the role of this variant in disease. Therefore, it has been classified as a Variant of Uncertain Significance. Algorithms developed to predict the effect of missense changes on protein structure and function (SIFT, PolyPhen-2, Align-GVGD) all suggest that this variant is likely to be tolerated. This variant has not been reported in the literature in individuals affected with TONSL-related conditions. This variant is not present in population databases (gnomAD no frequency). This sequence change replaces alanine, which is neutral and non-polar, with valine, which is neutral and non-polar, at codon 1317 of the TONSL protein (p.Ala1317Val).

NM_013432.5(TONSL):c.3950C>T (p.Ala1317Val)

Gene: TONSL (tonsoku like, DNA repair protein; minus strand). Cytogenetic location: 8q24.3.
Variant type: single nucleotide variant.
Coding change: c.3950C>T on transcript NM_013432.5 (MANE Select); coding-DNA position 3950, C replaced by T.
Protein change: p.Ala1317Val; replaces alanine 1317 with valine.
Molecular consequence: missense variant.
Genome position (GRCh38, 1-based): chr8:144,429,330, G>A on the plus strand (C>T on the coding strand, the complement: TONSL is on the minus strand). VCF-style: chr8-144429330-G-A. GRCh37 (hg19) VCF-style: chr8-145654713-G-A.
Other names: short protein forms A1317V.
Identifiers: ClinVar variation 1515680 (VCV001515680.6), dbSNP rs1554878111, ClinGen allele CA372637981.